The following is an entry in ClinVar:

NM_001384732.1(CPLANE1):c.9308A>G (p.His3103Arg)

Gene: CPLANE1 (ciliogenesis and planar polarity effector complex subunit 1; minus strand). Cytogenetic location: 5p13.2.
Variant type: single nucleotide variant.
Coding change: c.9308A>G on transcript NM_001384732.1 (MANE Select); coding-DNA position 9308, A replaced by G.
Protein change: p.His3103Arg; replaces histidine 3103 with arginine.
Molecular consequence: missense variant.
Genome position (GRCh38, 1-based): chr5:37,120,218, T>C on the plus strand (A>G on the coding strand, the complement: CPLANE1 is on the minus strand). VCF-style: chr5-37120218-T-C. GRCh37 (hg19) VCF-style: chr5-37120320-T-C.
Other names: c.9146A>G, p.His3049Arg (NM_023073.4); c.9146A>G (NM_023073.3); short protein forms H3049R, H3103R.
Identifiers: ClinVar variation 1945069 (VCV001945069.5), dbSNP rs1274026508, ClinGen allele CA359493403.

ClinVar aggregate classification (germline): Uncertain significance. Review status: criteria provided, multiple submitters, no conflicts (2 of 4 stars). 3 submissions from 3 submitters: Uncertain significance (3). Last evaluated 2026-08-11.

Conditions:
Inborn genetic diseases. Identifiers: MedGen C0950123, MeSH D030342.

Allele frequency attached by ClinVar (database versions not stated): TOPMed 0.00001; gnomAD exomes 0.00001.

Submissions (3):

Ambry Genetics
Classification: Uncertain significance for Inborn genetic diseases. Last evaluated: 2026-08-11. Review status: criteria provided, single submitter. Criteria: Ambry Variant Classification Scheme 2023. Collection method: clinical testing. Allele origin: germline.
Comment: The c.9146A>G (p.H3049R) alteration is located in exon 49 (coding exon 48) of the C5orf42 gene. This alteration results from a A to G substitution at nucleotide position 9146, causing the histidine (H) at amino acid position 3049 to be replaced by an arginine (R). Based on data from gnomAD, the G allele has an overall frequency of <0.001% (1/236448) total alleles studied. The highest observed frequency was 0.003% (1/29240) of Latino alleles. Based on insufficient or conflicting evidence, the clinical significance of this alteration remains unclear.

GeneDx
Classification: Uncertain significance. Last evaluated: 2026-06-30. Review status: criteria provided, single submitter. Criteria: GeneDx Variant Classification Process June 2021. Collection method: clinical testing. Allele origin: germline.
Comment: Not observed at significant frequency in large population cohorts (gnomAD); In silico analysis suggests that this missense variant does not alter protein structure/function; Has not been previously published as pathogenic or benign to our knowledge

Labcorp Genetics (formerly Invitae), Labcorp
Classification: Uncertain significance. Last evaluated: 2022-07-12. Review status: criteria provided, single submitter. Criteria: Invitae Variant Classification Sherloc (09022015). Collection method: clinical testing. Allele origin: germline.
Comment: This sequence change replaces histidine, which is basic and polar, with arginine, which is basic and polar, at codon 3049 of the CPLANE1 protein (p.His3049Arg). This variant is present in population databases (no rsID available, gnomAD 0.004%). This variant has not been reported in the literature in individuals affected with CPLANE1-related conditions. Algorithms developed to predict the effect of missense changes on protein structure and function output the following: SIFT: "Tolerated"; PolyPhen-2: "Benign"; Align-GVGD: "Class C0". The arginine amino acid residue is found in multiple mammalian species, which suggests that this missense change does not adversely affect protein function. In summary, the available evidence is currently insufficient to determine the role of this variant in disease. Therefore, it has been classified as a Variant of Uncertain Significance.

Literature cited by the submitters: PubMed 28106320 (cited by Ambry Genetics).